The following is an entry in ClinVar:

ClinVar aggregate classification (germline): Benign (1 of 4 stars; one submission).

Conditions:
Leigh syndrome (NULS). Also called: Leigh's necrotizing encephalopathy; Leigh's disease; Leigh's syndrome; LEIGH SYNDROME, NUCLEAR; Leigh Syndrome (mtDNA deletion); Leigh Disease. Identifiers: Orphanet 506, MedGen C2931891, MONDO:0009723, OMIM 256000.

Submission:

Wong Mito Lab, Molecular and Human Genetics, Baylor College of Medicine
Classification: Benign for Leigh syndrome. Last evaluated: 2019-10-17. Review status: criteria provided, single submitter. Criteria: Modified ACMG Guidelines (Unpublished). Collection method: clinical testing. Allele origin: germline.
Comment: The NC_012920.1:m.14142C>G (YP_003024036.1:p.Ile602Met) variant in MTND5 gene is interpretated to be a Benign variant based on the modified ACMG guidelines (unpublished). This variant meets the following evidence codes: BS1, BS2, BP4

NC_012920.1(MT-ND5):m.14142C>G

Gene: MT-ND5 (mitochondrially encoded NADH dehydrogenase 5; plus strand).
Variant type: single nucleotide variant.
Genome position: chrM-14142-C-G.
Identifiers: ClinVar variation 693675 (VCV000693675.1), dbSNP rs1603224552, ClinGen allele CA414821097.